The following is an entry in ClinVar:

NM_001142864.4(PIEZO1):c.640G>A (p.Ala214Thr)

Genes: PIEZO1 (piezo type mechanosensitive ion channel component 1 (Er blood group); minus strand), HSALR1 (HSP90AB1 associated lncRNA 1; plus strand). Cytogenetic location: 16q24.3.
Variant type: single nucleotide variant.
Coding change: c.640G>A on transcript NM_001142864.4 (MANE Select); coding-DNA position 640, G replaced by A.
Protein change: p.Ala214Thr; replaces alanine 214 with threonine.
Molecular consequence: missense variant.
Genome position (GRCh38, 1-based): chr16:88,738,435, C>T on the plus strand (G>A on the coding strand, the complement: PIEZO1 is on the minus strand). VCF-style: chr16-88738435-C-T. GRCh37 (hg19) VCF-style: chr16-88804843-C-T.
Other names: c.640G>A, p.Ala214Thr (LRG_1137t1); c.640G>A (NM_001142864.2); short protein forms A214T.
Identifiers: ClinVar variation 499286 (VCV000499286.11), dbSNP rs533369230, ClinGen allele CA8233223.

ClinVar aggregate classification (germline): Conflicting classifications of pathogenicity. Review status: criteria provided, conflicting classifications (1 of 4 stars). 5 submissions from 5 submitters: Uncertain significance (3); Likely benign (2). Last evaluated 2025-08-27.

Conditions:
Lymphatic malformation 6 (LMPHM6). Also called: PIEZO1-related generalized lymphatic dysplasia with non-immune hydrops fetalis; GENERALIZED LYMPHATIC DYSPLASIA OF FOTIOU; Lymphedema, hereditary, III. Identifiers: Orphanet 568062, MedGen C4225184, MONDO:0014797, OMIM 616843.
Inborn genetic diseases. Identifiers: MedGen C0950123, MeSH D030342.

Allele frequency attached by ClinVar (database versions not stated): gnomAD 0.00001 and 0.00003; TOPMed 0.00002; gnomAD exomes 0.00007 and 0.00019; 1000 Genomes Project 30x 0.00016; 1000 Genomes Project 0.00020; ExAC 0.00055.
gnomAD v4.1: 108 of 1,535,598 alleles (0.007%); highest among the groups gnomAD compares: South Asian, 0.12%; 1 homozygote.

Submissions (5):

Ambry Genetics
Classification: Uncertain significance for Inborn genetic diseases. Last evaluated: 2025-08-27. Review status: criteria provided, single submitter. Criteria: Ambry Variant Classification Scheme 2023. Collection method: clinical testing. Allele origin: germline.

Blueprint Genetics
Classification: Likely benign. Last evaluated: 2023-10-31. Review status: criteria provided, single submitter. Criteria: ACMG Guidelines, 2015. Collection method: clinical testing. Allele origin: germline.

Victorian Clinical Genetics Services, Murdoch Childrens Research Institute
Classification: Likely benign for Lymphatic malformation 6. Last evaluated: 2022-02-02. Review status: criteria provided, single submitter. Criteria: ACMG Guidelines, 2015. Collection method: clinical testing. Allele origin: germline. Inheritance: Autosomal recessive inheritance. Affected: yes.
Comment: Based on the classification scheme VCGS_Germline_v1.3.4, this variant is classified as Likely Benign. Following criteria are met: 0103 - Loss of function and gain of function are known mechanisms of disease in this gene. Loss of function has been described for lymphatic malformation 6 (MIM#616843), whereas gain of function variants have been reported in dehydrated hereditary stomatocytosis with or without pseudohyperkalemia and/or perinatal oedema (MIM#194380). (I) 0108 - This gene is associated with both recessive and dominant disease. Lymphatic malformation 6 (MIM#616843) is inherited in a recessive manner, whereas dehydrated hereditary stomatocytosis with or without pseudohyperkalemia and/or perinatal oedema (MIM#194380) is a dominant disorder (OMIM). (I) 0200 - Variant is predicted to result in a missense amino acid change from alanine to threonine. (I) 0252 - This variant is homozygous. (I) 0304 - Variant is present in gnomAD (v2) <0.01 for a recessive condition (26 heterozygotes, 0 homozygotes). (SP) 0503 - Missense variant consistently predicted to be tolerated by multiple in silico tools and is not conserved in placental mammals with a minor amino acid change. (SB) 0604 - Variant is not located in an established domain, motif, hotspot or informative constraint region. (I) 0705 - No comparable missense variants have previous evidence for pathogenicity. (I) 0809 - Previous evidence of pathogenicity for this variant is inconclusive. The variant has previously been described as a variant of uncertain significance in two heterozygotes with no further clinical information available (ClinVar). (I) 0904 - Non-segregation of this variant with the phenotype under investigation has been clearly demonstrated. (SB) 1007 - No published functional evidence has been identified for this variant. (I) Legend: (SP) - Supporting pathogenic, (I) - Information, (SB) - Supporting benign

Eurofins Ntd Llc (ga)
Classification: Uncertain significance. Last evaluated: 2016-12-27. Review status: criteria provided, single submitter. Criteria: EGL Classification Definitions 2015. Collection method: clinical testing. Allele origin: germline. Observed: 2 variant alleles, 2 heterozygotes.

Breakthrough Genomics
Classification: Uncertain significance. Review status: criteria provided, single submitter. Criteria: ACMG Guidelines, 2015. Collection method: not provided. Allele origin: germline. Inheritance: Autosomal recessive inheritance. Affected: yes.